The following is an entry in ClinVar:

NM_001365536.1(SCN9A):c.1974+8C>T

Genes: SCN1A-AS1 (SCN1A and SCN9A antisense RNA 1; plus strand), SCN9A (sodium voltage-gated channel alpha subunit 9; minus strand). Cytogenetic location: 2q24.3.
Variant type: single nucleotide variant.
Coding change: c.1974+8C>T on transcript NM_001365536.1 (MANE Select); 8 bases into the intron after coding-DNA position 1974, C replaced by T.
Molecular consequence: intron variant.
Genome position (GRCh38, 1-based): chr2:166,284,445, G>A on the plus strand (C>T on the coding strand, the complement: SCN9A is on the minus strand). VCF-style: chr2-166284445-G-A. GRCh37 (hg19) VCF-style: chr2-167140955-G-A.
Other names: c.1941+41C>T (NM_002977.4).
Identifiers: ClinVar variation 3255286 (VCV003255286.3), dbSNP rs7608201.

ClinVar aggregate classification (germline): Benign/Likely benign. Review status: criteria provided, multiple submitters, no conflicts (2 of 4 stars). 2 submissions from 2 submitters: Benign (1); Likely benign (1). Last evaluated 2024-07-15.

Allele frequency attached by ClinVar (database versions not stated): ESP Exome Variant Server 0.10173; gnomAD 0.10839; 1000 Genomes Project 0.11581; TOPMed 0.12007; 1000 Genomes Project 30x 0.12117; ExAC 0.15008.
gnomAD v4.1: 136,121 of 1,600,640 alleles (8.5%); highest among the groups gnomAD compares: Admixed American, 22%; 6,855 homozygotes.

Submissions (2):

Unidad de Genómica Garrahan, Hospital de Pediatría Garrahan
Classification: Benign. Last evaluated: 2024-07-15. Review status: criteria provided, single submitter. Criteria: ACMG Guidelines, 2015. Collection method: clinical testing. Allele origin: germline. Affected: no. Observed: 32 variant alleles.
Comment: This variant is classified as Benign based on local population frequency. This variant was detected in 34% of patients studied in a panel designed for Epileptic and Developmental Encephalopathy and Progressive Myoclonus Epilepsy. Number of patients: 32. Only high quality variants are reported.

Blueprint Genetics
Classification: Likely benign. Last evaluated: 2023-03-28. Review status: criteria provided, single submitter. Criteria: ACMG Guidelines, 2015. Collection method: clinical testing. Allele origin: germline.